The following is an entry in ClinVar:

ClinVar aggregate classification (germline): Uncertain significance (1 of 4 stars; one submission).

Conditions:
Neuropathy, hereditary sensory and autonomic, type 2A (HSAN2A). Also called: ACROOSTEOLYSIS, GIACCAI TYPE; ACROOSTEOLYSIS, NEUROGENIC; WNK1-Related HSAN2 (HSAN2A); MORVAN DISEASE; NEUROPATHY, CONGENITAL SENSORY; NEUROPATHY, HEREDITARY SENSORY RADICULAR, AUTOSOMAL RECESSIVE. Identifiers: Orphanet 970, MedGen C2752089, MONDO:0024309, OMIM 201300.
Generalized epilepsy with febrile seizures plus, type 7 (GEFSP7). Also called: GEFS+, TYPE 7. Identifiers: Orphanet 36387, MedGen C2751778, MONDO:0013470, OMIM 613863.

gnomAD v4.1: 5 of 1,610,390 alleles (0.00031%); highest among the groups gnomAD compares: Non-Finnish European, 0.00042%; no homozygotes.

Submission:

Labcorp Genetics (formerly Invitae), Labcorp
Classification: Uncertain significance for Neuropathy, hereditary sensory and autonomic, type 2A; Generalized epilepsy with febrile seizures plus, type 7. Last evaluated: 2024-05-09. Review status: criteria provided, single submitter. Criteria: Invitae Variant Classification Sherloc (09022015). Collection method: clinical testing. Allele origin: germline.
Comment: This sequence change replaces alanine, which is neutral and non-polar, with glutamic acid, which is acidic and polar, at codon 1236 of the SCN9A protein (p.Ala1236Glu). The frequency data for this variant in the population databases is considered unreliable, as metrics indicate poor data quality at this position in the gnomAD database. This variant has not been reported in the literature in individuals affected with SCN9A-related conditions. Advanced modeling of protein sequence and biophysical properties (such as structural, functional, and spatial information, amino acid conservation, physicochemical variation, residue mobility, and thermodynamic stability) has been performed at Invitae for this missense variant, however the output from this modeling did not meet the statistical confidence thresholds required to predict the impact of this variant on SCN9A protein function. Experimental studies have shown that this missense change affects SCN9A function (PMID: 25995458). In summary, the available evidence is currently insufficient to determine the role of this variant in disease. Therefore, it has been classified as a Variant of Uncertain Significance.

Literature cited by the submitters: PubMed 25995458.

NM_001365536.1(SCN9A):c.3740C>A (p.Ala1247Glu)

Genes: SCN1A-AS1 (SCN1A and SCN9A antisense RNA 1; plus strand), SCN9A (sodium voltage-gated channel alpha subunit 9; minus strand). Cytogenetic location: 2q24.3.
Variant type: single nucleotide variant.
Coding change: c.3740C>A on transcript NM_001365536.1 (MANE Select); coding-DNA position 3740, C replaced by A.
Protein change: p.Ala1247Glu; replaces alanine 1247 with glutamic acid.
Molecular consequence: missense variant.
Genome position (GRCh38, 1-based): chr2:166,238,155, G>T on the plus strand (C>A on the coding strand, the complement: SCN9A is on the minus strand). VCF-style: chr2-166238155-G-T. GRCh37 (hg19) VCF-style: chr2-167094665-G-T.
Other names: c.3707C>A, p.Ala1236Glu (NM_002977.4); short protein forms A1236E, A1247E.
Identifiers: ClinVar variation 3759063 (VCV003759063.2).
Genomic context (GRCh38, chr2:166,238,155, plus strand): 5'-TCAACAATTAGGAAATCCAGCCAACACCAGGCATTGGTGAAATATGTTTTATAACCATAT[G>T]CTATCCATTTTAGAAGCATTTCCAGAATGAAGATGTAAGTGAAGATCTTGTCTGCATACT-3'
Protein context (NP_001352465.1, residues 1237-1257): FILEMLLKWI[Ala1247Glu]YGYKTYFTNA